The following is an entry in ClinVar:

NM_001288705.3(CSF1R):c.2800GGCAGC[3] (p.934GS[3])

Gene: CSF1R (colony stimulating factor 1 receptor; minus strand). Cytogenetic location: 5q32.
Variant type: Microsatellite.
Coding change: c.2800GGCAGC[3] on transcript NM_001288705.3 (MANE Select); three copies in a row of the 6-base unit GGCAGC starting at c.2800; the reference has two copies in a row; one copy, 6 bases duplicated.
Protein change: p.934GS[3].
Molecular consequence: inframe insertion. On other transcripts: non-coding transcript variant (2).
Genome position (GRCh38, 1-based): chr5:150,054,177-150,054,182, GCTGCC duplicated on the plus strand (GGCAGC on the coding strand, the reverse complement: CSF1R is on the minus strand); duplicating any 6 consecutive bases within chr5:150,054,177-150,054,188 gives the same sequence; the position shown is the placement nearest the transcript's 3' end. VCF-style (leftmost placement, unchanged base first): chr5-150054176-T-TGCTGCC. GRCh37 (hg19) VCF-style: chr5-149433739-T-TGCTGCC.
Other names: p.Gly936_Ser937dup; c.2806_2811dup (NM_005211.3); c.2800GGCAGC[3], p.934GS[3] (NM_001349736.2, NM_001375320.1, NM_005211.4); c.2356GGCAGC[3], p.786GS[3] (NM_001375321.1).
Identifiers: ClinVar variation 1365098 (VCV001365098.7), dbSNP rs746285806, ClinGen allele CA3506323.
Genomic context (GRCh38, chr5:150,054,176, plus strand): 5'-CCCCTTGCTCGCAGCAGGTCAGGTGCTCACTAGAGCTCTCCTCCTCCAGCTCACTGCTGC[T>TGCTGCC]GCTGCCGCTGCCACCGCTTCTGCTGCTGCTCGGCAGATTGGTATAGTCCTGAGGGTGGGA-3'

ClinVar aggregate classification (germline): Uncertain significance. Review status: criteria provided, single submitter (1 of 4 stars). 2 submissions from 2 submitters: Uncertain significance (1). 1 of the submissions does not count toward it. Last evaluated 2025-10-16.

Conditions:
CSF1R-related leukoencephalopathy.

Submissions (2):

Labcorp Genetics (formerly Invitae), Labcorp
Classification: Uncertain significance. Last evaluated: 2025-10-16. Review status: criteria provided, single submitter. Criteria: Invitae Variant Classification Sherloc (09022015). Collection method: clinical testing. Allele origin: germline.
Comment: This variant, c.2806_2811dup, results in the insertion of 2 amino acid(s) of the CSF1R protein (p.Gly936_Ser937dup), but otherwise preserves the integrity of the reading frame. This variant is present in population databases (rs770279682, gnomAD 0.02%). This variant has not been reported in the literature in individuals affected with CSF1R-related conditions. ClinVar contains an entry for this variant (Variation ID: 1365098). Experimental studies and prediction algorithms are not available or were not evaluated, and the functional significance of this variant is currently unknown. In summary, the available evidence is currently insufficient to determine the role of this variant in disease. Therefore, it has been classified as a Variant of Uncertain Significance.

Neurology Laboratory, National Cheng Kung University Hospital
Classification: Uncertain significance for CSF1R-related leukoencephalopathy. Review status: no assertion criteria provided. Collection method: research. Allele origin: germline. Affected: yes. Not counted in ClinVar's aggregate classification.